The following is an entry in ClinVar:

ClinVar aggregate classification (germline): Uncertain significance (1 of 4 stars; one submission).

Allele frequency attached by ClinVar (database versions not stated): TOPMed 0.00001.
gnomAD v4.1: 3 of 1,614,092 alleles (0.00019%); highest among the groups gnomAD compares: Non-Finnish European, 0.00025%; no homozygotes.

Submission:

Labcorp Genetics (formerly Invitae), Labcorp
Classification: Uncertain significance. Last evaluated: 2024-03-27. Review status: criteria provided, single submitter. Criteria: Invitae Variant Classification Sherloc (09022015). Collection method: clinical testing. Allele origin: germline.
Comment: This sequence change replaces aspartic acid, which is acidic and polar, with glutamic acid, which is acidic and polar, at codon 685 of the TGM6 protein (p.Asp685Glu). This variant is not present in population databases (gnomAD no frequency). This variant has not been reported in the literature in individuals affected with TGM6-related conditions. Advanced modeling of protein sequence and biophysical properties (such as structural, functional, and spatial information, amino acid conservation, physicochemical variation, residue mobility, and thermodynamic stability) performed at Invitae indicates that this missense variant is not expected to disrupt TGM6 protein function with a negative predictive value of 80%. In summary, the available evidence is currently insufficient to determine the role of this variant in disease. Therefore, it has been classified as a Variant of Uncertain Significance.

NM_198994.3(TGM6):c.2055C>A (p.Asp685Glu)

Gene: TGM6 (transglutaminase 6; plus strand). Cytogenetic location: 20p13.
Variant type: single nucleotide variant.
Coding change: c.2055C>A on transcript NM_198994.3 (MANE Select); coding-DNA position 2055, C replaced by A.
Protein change: p.Asp685Glu; replaces aspartic acid 685 with glutamic acid.
Molecular consequence: missense variant. On other transcripts: 3 prime UTR variant (1).
Genome position (GRCh38, 1-based): chr20:2,432,577, C>A. VCF-style: chr20-2432577-C-A. GRCh37 (hg19) VCF-style: chr20-2413223-C-A.
Other names: c.*43C>A (NM_001254734.2); short protein forms D685E.
Identifiers: ClinVar variation 3005490 (VCV003005490.3), dbSNP rs1330071218, ClinGen allele CA408017905.
Genomic context (GRCh38, chr20:2,432,577, plus strand): 5'-GGCCTCAGTCCAGTTTGACATCACCCCCTCCAAAAGTGGCCCAAGGCAGCTGCAGGTGGA[C>A]CTTGTAAGCCCTCACTTCCCGGACATCAAGGGCTTTGTGATCGTCCATGTGGCCACTGCC-3'
Protein context (NP_945345.2, residues 675-695): SKSGPRQLQV[Asp685Glu]LVSPHFPDIK